The following is an entry in ClinVar:

NM_019892.6(INPP5E):c.1790C>T (p.Pro597Leu)

Gene: INPP5E (inositol polyphosphate-5-phosphatase E; minus strand). Cytogenetic location: 9q34.3.
Variant type: single nucleotide variant.
Coding change: c.1790C>T on transcript NM_019892.6 (MANE Select); coding-DNA position 1790, C replaced by T.
Protein change: p.Pro597Leu; replaces proline 597 with leucine.
Molecular consequence: missense variant.
Genome position (GRCh38, 1-based): chr9:136,430,289, G>A on the plus strand (C>T on the coding strand, the complement: INPP5E is on the minus strand). VCF-style: chr9-136430289-G-A. GRCh37 (hg19) VCF-style: chr9-139324741-G-A.
Other names: c.1787C>T, p.Pro596Leu (NM_001318502.2); c.1790C>T (NM_019892.5); short protein forms P596L, P597L.
Identifiers: ClinVar variation 937650 (VCV000937650.15), dbSNP rs760790290, ClinGen allele CA5336667.
Genomic context (GRCh38, chr9:136,430,289, plus strand): 5'-GGCACGACCCCCAGGCCCAAGGGGGAAGGTGAGCGGGAGAACACTGACTTGTCTCGCCCC[G>A]GCCTCACTTTCACCCGGAAGAGGCCATACACAGGGCGGTGGTCGGACGTCTTGATCCCGG-3'
Protein context (NP_063945.2, residues 587-607): VYGLFRVKVR[Pro597Leu]GRDNIPLAAG

ClinVar aggregate classification (germline): Conflicting classifications of pathogenicity. Review status: criteria provided, conflicting classifications (1 of 4 stars). 4 submissions from 4 submitters: Likely pathogenic (1); Uncertain significance (2). 1 of the submissions does not count toward it. Last evaluated 2024-06-21.

Conditions:
INPP5E-related disorder. Also called: INPP5E-related condition.
Joubert syndrome 1 (JBTS1). Also called: CEREBELLOPARENCHYMAL DISORDER IV; Cerebellooculorenal syndrome 1. Identifiers: MedGen C4551568, MONDO:0008944, OMIM 213300.
MORM syndrome (MORMS). Identifiers: Orphanet 75858, MedGen C1857802, MONDO:0012423, OMIM 610156.
Joubert syndrome. Also called: JOUBERT-BOLTSHAUSER SYNDROME; Familial aplasia of the vermis. Identifiers: Orphanet 475, MedGen C5979921, MONDO:0018772.

Allele frequency attached by ClinVar (database versions not stated): gnomAD exomes 0.00001; TOPMed 0.00002; ExAC 0.00005.

Submissions (4):

Fulgent Genetics
Classification: Uncertain significance for Joubert syndrome 1; MORM syndrome. Last evaluated: 2024-06-21. Review status: criteria provided, single submitter. Criteria: ACMG Guidelines, 2015. Collection method: clinical testing. Allele origin: germline.

Labcorp Genetics (formerly Invitae), Labcorp
Classification: Likely pathogenic for Joubert syndrome. Last evaluated: 2023-07-20. Review status: criteria provided, single submitter. Criteria: Invitae Variant Classification Sherloc (09022015). Collection method: clinical testing. Allele origin: germline.
Comment: This missense change has been observed in individual(s) with clinical features of Joubert syndrome (Invitae). This sequence change replaces proline, which is neutral and non-polar, with leucine, which is neutral and non-polar, at codon 597 of the INPP5E protein (p.Pro597Leu). This variant is present in population databases (rs760790290, gnomAD 0.01%). ClinVar contains an entry for this variant (Variation ID: 937650). Advanced modeling of protein sequence and biophysical properties (such as structural, functional, and spatial information, amino acid conservation, physicochemical variation, residue mobility, and thermodynamic stability) performed at Invitae indicates that this missense variant is expected to disrupt INPP5E protein function. In summary, the currently available evidence indicates that the variant is pathogenic, but additional data are needed to prove that conclusively. Therefore, this variant has been classified as Likely Pathogenic.

Blueprint Genetics
Classification: Uncertain significance. Last evaluated: 2022-07-13. Review status: criteria provided, single submitter. Criteria: ACMG Guidelines, 2015. Collection method: clinical testing. Allele origin: germline.

PreventionGenetics, part of Exact Sciences
Classification: Uncertain significance for INPP5E-related condition. Last evaluated: 2024-04-12. Review status: no assertion criteria provided. Collection method: clinical testing. Allele origin: germline. Not counted in ClinVar's aggregate classification.
Comment: The INPP5E c.1790C>T variant is predicted to result in the amino acid substitution p.Pro597Leu. To our knowledge, this variant has not been reported in the literature. According to one submitter in ClinVar, this variant was observed internally in an individual with clinical features of Joubert syndrome. This variant is reported in 0.012% of alleles in individuals of Ashkenazi Jewish descent in gnomAD. At this time, the clinical significance of this variant is uncertain due to the absence of conclusive functional and genetic evidence.